The following is an entry in ClinVar:

NM_032242.4(PLXNA1):c.3949G>A (p.Ala1317Thr)

Gene: PLXNA1 (plexin A1; plus strand). Cytogenetic location: 3q21.3.
Variant type: single nucleotide variant.
Coding change: c.3949G>A on transcript NM_032242.4 (MANE Select); coding-DNA position 3949, G replaced by A.
Protein change: p.Ala1317Thr; replaces alanine 1317 with threonine.
Molecular consequence: missense variant.
Genome position (GRCh38, 1-based): chr3:127,020,255, G>A. VCF-style: chr3-127020255-G-A. GRCh37 (hg19) VCF-style: chr3-126739098-G-A.
Other names: short protein forms A1317T.
Identifiers: ClinVar variation 5000480 (VCV005000480.1).

ClinVar aggregate classification (germline): Uncertain significance (1 of 4 stars; one submission).

Conditions:
PLXNA1-related disorder. Also called: PLXNA1-related condition.

Submission:

PreventionGenetics, part of Exact Sciences
Classification: Uncertain significance for PLXNA1-related condition. Last evaluated: 2025-08-29. Review status: criteria provided, single submitter. Criteria: ACMG Guidelines, 2015. Collection method: clinical testing. Allele origin: germline.
Comment: The PLXNA1 c.3949G>A variant is predicted to result in the amino acid substitution p.Ala1317Thr. To our knowledge, this variant has not been reported in the literature. This variant is reported in 0.011% of alleles in individuals of East Asian descent in gnomAD. At this time, the clinical significance of this variant is uncertain due to the absence of conclusive functional and genetic evidence.